The following is an entry in ClinVar:

ClinVar aggregate classification (germline): Benign/Likely benign. Review status: criteria provided, multiple submitters, no conflicts (2 of 4 stars). 7 submissions from 7 submitters: Benign (2); Likely benign (5). Last evaluated 2026-06-01.

Conditions:
Mendelian susceptibility to mycobacterial diseases due to complete IL12RB1 deficiency. Also called: IL12RB1 DEFICIENCY; Immunodeficiency 30. Identifiers: Orphanet 319552, MedGen C4013949, MONDO:0013955, OMIM 614891.
Immunodeficiency 27A (IMD27A). Also called: IMMUNODEFICIENCY 27A, MYCOBACTERIOSIS, AUTOSOMAL RECESSIVE; IFNGR1 DEFICIENCY, AUTOSOMAL RECESSIVE. Identifiers: Orphanet 319569, Orphanet 99898, MedGen C4011949, MONDO:0008856, OMIM 209950.

Allele frequency attached by ClinVar (database versions not stated): 1000 Genomes Project 30x 0.00250; 1000 Genomes Project 0.00280; gnomAD exomes 0.00301 and 0.00403; gnomAD 0.00316 and 0.00319; TOPMed 0.00321; ExAC 0.00419; ESP Exome Variant Server 0.00452.

Submissions (7):

CeGaT Center for Human Genetics Tuebingen
Classification: Likely benign. Last evaluated: 2026-06-01. Review status: criteria provided, single submitter. Criteria: CeGaT Center For Human Genetics Tuebingen Variant Classification Criteria Version 2. Collection method: clinical testing. Allele origin: germline. Affected: yes. Observed: 7 variant alleles.
Comment: IL12RB1: BP4, BP7, BS2

Labcorp Genetics (formerly Invitae), Labcorp
Classification: Benign for Mendelian susceptibility to mycobacterial diseases due to complete IL12RB1 deficiency. Last evaluated: 2026-01-26. Review status: criteria provided, single submitter. Criteria: Invitae Variant Classification Sherloc (09022015). Collection method: clinical testing. Allele origin: germline.

Blueprint Genetics
Classification: Likely benign. Last evaluated: 2024-11-05. Review status: criteria provided, single submitter. Criteria: ACMG Guidelines, 2015. Collection method: clinical testing. Allele origin: germline.

Clinical Genetics DNA and cytogenetics Diagnostics Lab, Erasmus MC, Erasmus Medical Center
Classification: Likely benign for Immunodeficiency 27A. Last evaluated: 2017-10-31. Review status: criteria provided, single submitter. Criteria: ACGS Guidelines, 2013. Collection method: clinical testing. Allele origin: germline. Affected: yes. Study: VKGL Data-share Consensus.

Genome Diagnostics Laboratory, University Medical Center Utrecht
Classification: Likely benign for Immunodeficiency 27A. Last evaluated: 2017-09-20. Review status: criteria provided, single submitter. Criteria: ACGS Guidelines, 2013. Collection method: clinical testing. Allele origin: germline. Affected: yes. Study: VKGL Data-share Consensus.

Illumina Laboratory Services, Illumina
Classification: Benign for Mendelian susceptibility to mycobacterial diseases due to complete IL12RB1 deficiency. Last evaluated: 2017-04-27. Review status: criteria provided, single submitter. Criteria: ICSL Variant Classification Criteria 13 December 2019. Collection method: clinical testing. Allele origin: germline.
Comment: This variant was observed as part of a predisposition screen in an ostensibly healthy population. A literature search was performed for the gene, cDNA change, and amino acid change (where applicable). Publications were found based on this search. The evidence from the literature, in combination with allele frequency data from public databases where available, was sufficient to rule this variant out of causing disease. Therefore, this variant is classified as benign.

Breakthrough Genomics
Classification: Likely benign. Review status: criteria provided, single submitter. Criteria: ACMG Guidelines, 2015. Collection method: not provided. Allele origin: germline. Inheritance: Autosomal recessive inheritance. Affected: yes.

Literature cited by the submitters: PubMed 19460324 (cited by Illumina Laboratory Services, Illumina).

NM_005535.3(IL12RB1):c.1719C>T (p.Ala573=)

Gene: IL12RB1 (interleukin 12 receptor subunit beta 1; minus strand). Cytogenetic location: 19p13.11.
Variant type: single nucleotide variant.
Coding change: c.1719C>T on transcript NM_005535.3 (MANE Select); coding-DNA position 1719, C replaced by T.
Protein change: p.Ala573=; no amino-acid change (alanine 573 retained).
Molecular consequence: synonymous variant.
Genome position (GRCh38, 1-based): chr19:18,061,194, G>A on the plus strand (C>T on the coding strand, the complement: IL12RB1 is on the minus strand). VCF-style: chr19-18061194-G-A. GRCh37 (hg19) VCF-style: chr19-18172004-G-A.
Other names: c.1719C>T, p.Ala573= (NM_001290023.2); c.1839C>T, p.Ala613= (NM_001290024.2).
Identifiers: ClinVar variation 522257 (VCV000522257.42), dbSNP rs17885102, ClinGen allele CA9304709.
Genomic context (GRCh38, chr19:18,061,194, plus strand): 5'-AGGGAACTCAATGGCGGAGCTGGCACAGGGTGTGGGCAGCGGCGGGCACAGGTGCCGTGC[G>A]GCCCTGGGGAGGAAAGGGGACCAGTGAGAGGAGCTGAGGTTTTTTTTTTTTTTGGAGACG-3'
Protein context (NP_005526.1, residues 563-583): GVLGYLGLNR[Ala573=]ARHLCPPLPT